The following is an entry in ClinVar:

NM_002439.5(MSH3):c.663T>C (p.Ala221=)

Gene: MSH3 (mutS homolog 3; plus strand). Cytogenetic location: 5q14.1.
Variant type: single nucleotide variant.
Coding change: c.663T>C on transcript NM_002439.5 (MANE Select); coding-DNA position 663, T replaced by C.
Protein change: p.Ala221=; no amino-acid change (alanine 221 retained).
Molecular consequence: synonymous variant.
Genome position (GRCh38, 1-based): chr5:80,670,180, T>C. VCF-style: chr5-80670180-T-C. GRCh37 (hg19) VCF-style: chr5-79965999-T-C.
Other names: c.663T>C (NM_002439.4).
Identifiers: ClinVar variation 1094476 (VCV001094476.11), dbSNP rs2112812230, ClinGen allele CA445158663.
Genomic context (GRCh38, chr5:80,670,180, plus strand): 5'-TCAGTTTGGATCATCAAATACAAGTCATGAAAATTTACAGAAAACTGCTTCCAAATCAGC[T>C]AACAAACGGTCCAAAAGCATCTATACGCCGCTAGAATTACAATACATAGAAATGAAGCAG-3'
Protein context (NP_002430.3, residues 211-231): ENLQKTASKS[Ala221=]NKRSKSIYTP

ClinVar aggregate classification (germline): Likely benign. Review status: criteria provided, single submitter (1 of 4 stars). 2 submissions from 2 submitters: Likely benign (1). 1 of the submissions does not count toward it. Last evaluated 2022-02-03.

Conditions:
MSH3-related disorder. Also called: MSH3-related condition.

Allele frequency attached by ClinVar (database versions not stated): gnomAD exomes below 0.00001.
gnomAD v4.1: 1 of 1,614,144 alleles (0.000062%); highest among the groups gnomAD compares: Non-Finnish European, 0.000085%; no homozygotes.

Submissions (2):

Labcorp Genetics (formerly Invitae), Labcorp
Classification: Likely benign. Last evaluated: 2022-02-03. Review status: criteria provided, single submitter. Criteria: Invitae Variant Classification Sherloc (09022015). Collection method: clinical testing. Allele origin: germline.

PreventionGenetics, part of Exact Sciences
Classification: Likely benign for MSH3-related condition. Last evaluated: 2022-12-30. Review status: no assertion criteria provided. Collection method: clinical testing. Allele origin: germline. Not counted in ClinVar's aggregate classification.
Comment: This variant is classified as likely benign based on ACMG/AMP sequence variant interpretation guidelines (Richards et al. 2015 PMID: 25741868, with internal and published modifications).